The following is an entry in ClinVar:

ClinVar aggregate classification (germline): Likely benign. Review status: criteria provided, multiple submitters, no conflicts (2 of 4 stars). 2 submissions from 2 submitters: Likely benign (2). Last evaluated 2024-11-21.

Allele frequency attached by ClinVar (database versions not stated): gnomAD 0.00007; gnomAD exomes 0.00010; TOPMed 0.00010; ExAC 0.00028; 1000 Genomes Project 30x 0.00031.
gnomAD v4.1: 160 of 1,535,186 alleles (0.01%); highest among the groups gnomAD compares: Middle Eastern, 0.23%; 2 homozygotes.

Submissions (2):

Blueprint Genetics
Classification: Likely benign. Last evaluated: 2024-11-21. Review status: criteria provided, single submitter. Criteria: ACMG Guidelines, 2015. Collection method: clinical testing. Allele origin: germline.

CeGaT Center for Human Genetics Tuebingen
Classification: Likely benign. Last evaluated: 2023-10-01. Review status: criteria provided, single submitter. Criteria: CeGaT Center For Human Genetics Tuebingen Variant Classification Criteria Version 2. Collection method: clinical testing. Allele origin: germline. Affected: yes. Observed: 2 variant alleles.
Comment: CAMTA1: BP4, BP7

NM_015215.4(CAMTA1):c.234+62470C>T

Gene: CAMTA1 (calmodulin binding transcription activator 1; plus strand). Cytogenetic location: 1p36.31.
Variant type: single nucleotide variant.
Coding change: c.234+62470C>T on transcript NM_015215.4 (MANE Select); 62470 bases into the intron after coding-DNA position 234, C replaced by T.
Molecular consequence: intron variant. On other transcripts: synonymous variant (1), non-coding transcript variant (3).
Genome position (GRCh38, 1-based): chr1:6,887,680, C>T. VCF-style: chr1-6887680-C-T. GRCh37 (hg19) VCF-style: chr1-6947740-C-T.
Other names: c.261C>T, p.Gly87= (NM_001242701.2); c.234+62470C>T (NM_001349609.2, NM_001349610.2, NM_001410737.1 and 1 more transcripts); c.144+62470C>T (NM_001349608.2, NM_001349612.2).
Identifiers: ClinVar variation 2638130 (VCV002638130.25), dbSNP rs765307011, ClinGen allele CA566091.